The following is an entry in ClinVar:

ClinVar aggregate classification (germline): Uncertain significance (1 of 4 stars; one submission).

Submission:

CeGaT Center for Human Genetics Tuebingen
Classification: Uncertain significance. Last evaluated: 2026-02-01. Review status: criteria provided, single submitter. Criteria: CeGaT Center For Human Genetics Tuebingen Variant Classification Criteria Version 2. Collection method: clinical testing. Allele origin: germline. Affected: yes. Observed: 1 variant allele.
Comment: MORC2: PM2

NM_001303256.3(MORC2):c.902T>C (p.Ile301Thr)

Gene: MORC2 (MORC family CW-type zinc finger 2; minus strand). Cytogenetic location: 22q12.2.
Variant type: single nucleotide variant.
Coding change: c.902T>C on transcript NM_001303256.3 (MANE Select); coding-DNA position 902, T replaced by C.
Protein change: p.Ile301Thr; replaces isoleucine 301 with threonine.
Molecular consequence: missense variant.
Genome position (GRCh38, 1-based): chr22:30,940,760, A>G on the plus strand (T>C on the coding strand, the complement: MORC2 is on the minus strand). VCF-style: chr22-30940760-A-G. GRCh37 (hg19) VCF-style: chr22-31336747-A-G.
Other names: c.902T>C, p.Ile301Thr (NM_001303257.2); c.716T>C, p.Ile239Thr (NM_014941.3); short protein forms I239T, I301T.
Identifiers: ClinVar variation 4823313 (VCV004823313.4).